The following is an entry in ClinVar:

ClinVar aggregate classification (germline): Uncertain significance (1 of 4 stars; one submission).

Conditions:
DOCK2 deficiency. Also called: Immunodeficiency 40. Identifiers: Orphanet 447737, MedGen C4225328, MONDO:0014637, OMIM 616433.

Allele frequency attached by ClinVar (database versions not stated): ExAC 0.00001; gnomAD exomes 0.00001; TOPMed 0.00003; gnomAD 0.00004.
gnomAD v4.1: 21 of 1,613,906 alleles (0.0013%); highest among the groups gnomAD compares: Admixed American, 0.005%; no homozygotes.

Submission:

Labcorp Genetics (formerly Invitae), Labcorp
Classification: Uncertain significance for DOCK2 deficiency. Last evaluated: 2024-07-29. Review status: criteria provided, single submitter. Criteria: Invitae Variant Classification Sherloc (09022015). Collection method: clinical testing. Allele origin: germline.
Comment: This sequence change replaces arginine, which is basic and polar, with histidine, which is basic and polar, at codon 1071 of the DOCK2 protein (p.Arg1071His). This variant is present in population databases (rs750051021, gnomAD 0.003%). This variant has not been reported in the literature in individuals affected with DOCK2-related conditions. ClinVar contains an entry for this variant (Variation ID: 1352519). An algorithm developed to predict the effect of missense changes on protein structure and function (PolyPhen-2) suggests that this variant is likely to be disruptive. In summary, the available evidence is currently insufficient to determine the role of this variant in disease. Therefore, it has been classified as a Variant of Uncertain Significance.

NM_004946.3(DOCK2):c.3212G>A (p.Arg1071His)

Gene: DOCK2 (dedicator of cytokinesis 2; plus strand). Cytogenetic location: 5q35.1.
Variant type: single nucleotide variant.
Coding change: c.3212G>A on transcript NM_004946.3 (MANE Select); coding-DNA position 3212, G replaced by A.
Protein change: p.Arg1071His; replaces arginine 1071 with histidine.
Molecular consequence: missense variant. On other transcripts: non-coding transcript variant (1).
Genome position (GRCh38, 1-based): chr5:170,008,726, G>A. VCF-style: chr5-170008726-G-A. GRCh37 (hg19) VCF-style: chr5-169435730-G-A.
Other names: short protein forms R1071H.
Identifiers: ClinVar variation 1352519 (VCV001352519.7), dbSNP rs750051021, ClinGen allele CA3554141.